The following is an entry in ClinVar:

NM_016239.4(MYO15A):c.10143G>A (p.Trp3381Ter)

Gene: MYO15A (myosin XVA; plus strand). Cytogenetic location: 17p11.2.
Variant type: single nucleotide variant.
Coding change: c.10143G>A on transcript NM_016239.4 (MANE Select); coding-DNA position 10143, G replaced by A.
Protein change: p.Trp3381Ter; replaces tryptophan 3381 with a stop codon.
Molecular consequence: nonsense.
Genome position (GRCh38, 1-based): chr17:18,171,698, G>A. VCF-style: chr17-18171698-G-A. GRCh37 (hg19) VCF-style: chr17-18075012-G-A.
Other names: short protein forms W3381*.
Identifiers: ClinVar variation 3601295 (VCV003601295.1).

ClinVar aggregate classification (germline): Likely pathogenic (1 of 4 stars; one submission).

Conditions:
Autosomal recessive nonsyndromic hearing loss 3. Also called: NEUROSENSORY NONSYNDROMIC RECESSIVE DEAFNESS 3. Identifiers: Orphanet 90636, MedGen C1838263, MONDO:0010860, OMIM 600316.

Submission:

Institute of Rare Diseases, West China Hospital, Sichuan University
Classification: Likely pathogenic for Autosomal recessive nonsyndromic hearing loss 3. Last evaluated: 2025-01-09. Review status: criteria provided, single submitter. Criteria: ClinGen HL ACMG Specifications v1. Collection method: research. Allele origin: germline. Affected: yes.
Comment: PVS1;PM2_Supporting